The following is an entry in ClinVar:

ClinVar aggregate classification (germline): Uncertain significance (1 of 4 stars; one submission).

gnomAD v4.1: 3 of 1,613,744 alleles (0.00019%); highest among the groups gnomAD compares: African/African-American, 0.004%; no homozygotes.

Submission:

Labcorp Genetics (formerly Invitae), Labcorp
Classification: Uncertain significance. Last evaluated: 2026-01-11. Review status: criteria provided, single submitter. Criteria: Invitae Variant Classification Sherloc (09022015). Collection method: clinical testing. Allele origin: germline.
Comment: This sequence change falls in intron 2 of the FLNB gene. It does not directly change the encoded amino acid sequence of the FLNB protein. It affects a nucleotide within the consensus splice site. This variant is present in population databases (no rsID available, gnomAD 0.007%). This variant has not been reported in the literature in individuals affected with FLNB-related conditions. ClinVar contains an entry for this variant (Variation ID: 3705709). Variants that disrupt the consensus splice site are a relatively common cause of aberrant splicing (PMID: 17576681, 9536098). Algorithms developed to predict the effect of sequence changes on RNA splicing suggest that this variant is not likely to affect RNA splicing. In summary, the available evidence is currently insufficient to determine the role of this variant in disease. Therefore, it has been classified as a Variant of Uncertain Significance.

Literature cited by the submitters: PubMed 17576681; PubMed 9536098.

NM_001457.4(FLNB):c.541+4A>G

Gene: FLNB (filamin B; plus strand). Cytogenetic location: 3p14.3.
Variant type: single nucleotide variant.
Coding change: c.541+4A>G on transcript NM_001457.4 (MANE Select); 4 bases into the intron after coding-DNA position 541, A replaced by G.
Molecular consequence: intron variant.
Genome position (GRCh38, 1-based): chr3:58,077,298, A>G. VCF-style: chr3-58077298-A-G. GRCh37 (hg19) VCF-style: chr3-58063025-A-G.
Other names: c.541+4A>G (NM_001164317.2, NM_001164318.2, NM_001164319.2).
Identifiers: ClinVar variation 3705709 (VCV003705709.2).